The following is an entry in ClinVar:

NM_144585.4(SLC22A12):c.661+11G>A

Gene: SLC22A12 (solute carrier family 22 member 12; plus strand). Cytogenetic location: 11q13.1.
Variant type: single nucleotide variant.
Coding change: c.661+11G>A on transcript NM_144585.4 (MANE Select); 11 bases into the intron after coding-DNA position 661, G replaced by A.
Molecular consequence: intron variant.
Genome position (GRCh38, 1-based): chr11:64,593,570, G>A. VCF-style: chr11-64593570-G-A. GRCh37 (hg19) VCF-style: chr11-64361042-G-A.
Other names: c.560-65G>A (NM_001276326.2); c.506+688G>A (NM_001276327.2); c.-2-65G>A (NM_153378.3).
Identifiers: ClinVar variation 880049 (VCV000880049.12), dbSNP rs75786299, ClinGen allele CA6077135.

ClinVar aggregate classification (germline): Benign/Likely benign. Review status: criteria provided, multiple submitters, no conflicts (2 of 4 stars). 3 submissions from 3 submitters: Benign (2); Likely benign (1). Last evaluated 2025-12-30.

Conditions:
Dalmatian hypouricemia (RHUC1). Identifiers: MedGen C0473219, MONDO:0020728, OMIM 220150.

Allele frequency attached by ClinVar (database versions not stated): gnomAD 0.00023 and 0.00033; gnomAD exomes 0.00029 and 0.00094; TOPMed 0.00054; ExAC 0.00091; 1000 Genomes Project 0.00240; 1000 Genomes Project 30x 0.00250.
gnomAD v4.1: 475 of 1,614,152 alleles (0.029%); highest among the groups gnomAD compares: East Asian, 0.99%; 3 homozygotes.

Submissions (3):

Labcorp Genetics (formerly Invitae), Labcorp
Classification: Benign. Last evaluated: 2025-12-30. Review status: criteria provided, single submitter. Criteria: Invitae Variant Classification Sherloc (09022015). Collection method: clinical testing. Allele origin: germline.

Fulgent Genetics
Classification: Likely benign for Dalmatian hypouricemia. Last evaluated: 2021-08-12. Review status: criteria provided, single submitter. Criteria: ACMG Guidelines, 2015. Collection method: clinical testing. Allele origin: unknown.

Illumina Laboratory Services, Illumina
Classification: Benign for Dalmatian hypouricemia. Last evaluated: 2017-04-28. Review status: criteria provided, single submitter. Criteria: ICSL Variant Classification Criteria 13 December 2019. Collection method: clinical testing. Allele origin: germline.
Comment: This variant was observed as part of a predisposition screen in an ostensibly healthy population. A literature search was performed for the gene, cDNA change, and amino acid change (where applicable). Publications were found based on this search. The evidence from the literature, in combination with allele frequency data from public databases where available, was sufficient to rule this variant out of causing disease. Therefore, this variant is classified as benign.

Literature cited by the submitters: PubMed 26603249 (cited by Illumina Laboratory Services, Illumina); PubMed 21211204 (cited by Illumina Laboratory Services, Illumina); PubMed 25264011 (cited by Illumina Laboratory Services, Illumina).